The following is an entry in ClinVar:

NM_000069.3(CACNA1S):c.3395C>T (p.Thr1132Ile)

Gene: CACNA1S (calcium voltage-gated channel subunit alpha1 S; minus strand). Cytogenetic location: 1q32.1.
Variant type: single nucleotide variant.
Coding change: c.3395C>T on transcript NM_000069.3 (MANE Select); coding-DNA position 3395, C replaced by T.
Protein change: p.Thr1132Ile; replaces threonine 1132 with isoleucine.
Molecular consequence: missense variant.
Genome position (GRCh38, 1-based): chr1:201,060,677, G>A on the plus strand (C>T on the coding strand, the complement: CACNA1S is on the minus strand). VCF-style: chr1-201060677-G-A. GRCh37 (hg19) VCF-style: chr1-201029805-G-A.
Other names: short protein forms T1132I.
Identifiers: ClinVar variation 3386327 (VCV003386327.1).

ClinVar aggregate classification (germline): Uncertain significance (1 of 4 stars; one submission).

Conditions:
Malignant hyperthermia, susceptibility to, 5 (MHS5). Also called: CACNA1S-Related Malignant Hyperthermia Susceptibility. Identifiers: Orphanet 423, MedGen C1866077, MONDO:0011163, OMIM 601887.

Submission:

All of Us Research Program, National Institutes of Health
Classification: Uncertain significance for Malignant hyperthermia, susceptibility to, 5. Last evaluated: 2024-05-14. Review status: criteria provided, single submitter. Criteria: ACMG Guidelines, 2015. Collection method: clinical testing. Allele origin: germline. Inheritance: Autosomal dominant inheritance. Observed: 1 variant allele, 1 heterozygote.
Comment: This missense variant replaces threonine with isoleucine at codon 1132 of the CACNA1S protein. Computational prediction suggests that this variant may have deleterious impact on protein structure and function (internally defined REVEL score threshold >= 0.7, PMID: 27666373). To our knowledge, functional studies have not been reported for this variant. This variant has not been reported in individuals affected with CACNA1S-related disorders in the literature. This variant has not been identified in the general population by the Genome Aggregation Database (gnomAD). The available evidence is insufficient to determine the role of this variant in disease conclusively. Therefore, this variant is classified as a Variant of Uncertain Significance.

This study involves interpretation of variants in research participants for the purpose of population health screening. Participant phenotype was not available at the time of variant classification. Additional details can be found in publication PMID: 35346344, PMCID: PMC8962531